The following is an entry in ClinVar:

ClinVar aggregate classification (germline): other (0 of 4 stars; one submission).

Conditions:
Familial colorectal cancer. Identifiers: MedGen CN280943, MONDO:0023113. Disease mechanism: loss of function.

Submission:

Systems Biology Platform Zhejiang California International NanoSystems Institute
Classification: other for Familial colorectal cancer. Review status: no assertion criteria provided. Collection method: not provided. Allele origin: unknown.
ClinVar note: Converted during submission from cancer to other.

NM_000038.6(APC):c.5521G>T (p.Asp1841Tyr)

Gene: APC (APC regulator of WNT signaling pathway; plus strand). Cytogenetic location: 5q22.2.
Variant type: single nucleotide variant.
Coding change: c.5521G>T on transcript NM_000038.6 (MANE Select); coding-DNA position 5521, G replaced by T.
Protein change: p.Asp1841Tyr; replaces aspartic acid 1841 with tyrosine.
Molecular consequence: missense variant.
Genome position (GRCh38, 1-based): chr5:112,841,115, G>T. VCF-style: chr5-112841115-G-T. GRCh37 (hg19) VCF-style: chr5-112176812-G-T.
Other names: c.5521G>T, p.Asp1841Tyr (NM_001127510.3, NM_001354895.2); c.5467G>T, p.Asp1823Tyr (NM_001127511.3); c.5575G>T, p.Asp1859Tyr (NM_001354896.2); c.5551G>T, p.Asp1851Tyr (NM_001354897.2); c.5446G>T, p.Asp1816Tyr (NM_001354898.2); c.5437G>T, p.Asp1813Tyr (NM_001354899.2); c.5398G>T, p.Asp1800Tyr (NM_001354900.2); c.5344G>T, p.Asp1782Tyr (NM_001354901.2); and 5 more; short protein forms D1823Y, D1841Y, D1558Y, D1740Y, D1750Y, D1782Y, D1816Y, D1800Y.
Identifiers: ClinVar variation 83246 (VCV000083246.2), dbSNP rs76306073, ClinGen allele CA010481.
Genomic context (GRCh38, chr5:112,841,115, plus strand): 5'-AAGGTCTTCAATGATAAGCTCCCAAATAATGAAGATAGAGTCAGAGGAAGTTTTGCTTTT[G>T]ATTCACCTCATCATTACACGCCTATTGAAGGAACTCCTTACTGTTTTTCACGAAATGATT-3'
Protein context (NP_000029.2, residues 1831-1851): EDRVRGSFAF[Asp1841Tyr]SPHHYTPIEG